The following is an entry in ClinVar:

NM_000038.6(APC):c.8142T>C (p.Arg2714=)

Gene: APC (APC regulator of Wnt signaling pathway; plus strand). Cytogenetic location: 5q22.2.
Variant type: single nucleotide variant.
Coding change: c.8142T>C on transcript NM_000038.6 (MANE Select); coding-DNA position 8142, T replaced by C.
Protein change: p.Arg2714=; no amino-acid change (arginine 2714 retained).
Molecular consequence: synonymous variant. On other transcripts: non-coding transcript variant (2).
Genome position (GRCh38, 1-based): chr5:112,843,736, T>C. VCF-style: chr5-112843736-T-C. GRCh37 (hg19) VCF-style: chr5-112179433-T-C.
Other names: c.8196T>C, p.Arg2732= (NM_001407448.1, NM_001407449.1, NM_001354896.2 and 1 more transcripts); c.8142T>C, p.Arg2714= (NM_001407450.1, NM_001127510.3, NM_001354895.2); c.8121T>C, p.Arg2707= (NM_001407451.1); c.7965T>C, p.Arg2655= (NM_001407453.1, NM_001354901.2); c.8112T>C, p.Arg2704= (NM_001407452.1); c.7893T>C, p.Arg2631= (NM_001407456.1, NM_001407457.1, NM_001407455.1 and 1 more transcripts); c.7839T>C, p.Arg2613= (NM_001407458.1, NM_001354903.2, NM_001407459.1 and 1 more transcripts); c.8088T>C, p.Arg2696= (NM_001127511.3); and 11 more.
Identifiers: ClinVar variation 3254478 (VCV003254478.1), dbSNP rs2149999916.

ClinVar aggregate classification (germline): Benign (1 of 4 stars; one submission).

Conditions:
Familial adenomatous polyposis 1 (FAP1). Also called: FAMILIAL ADENOMATOUS POLYPOSIS 1, ATTENUATED; POLYPOSIS, ADENOMATOUS INTESTINAL. Identifiers: MedGen C2713442, MONDO:0021056, OMIM 175100. Disease mechanism: loss of function.

Submission:

Myriad Genetics, Inc.
Classification: Benign for Familial adenomatous polyposis 1. Last evaluated: 2024-04-12. Review status: criteria provided, single submitter. Criteria: Myriad Autosomal Dominant, Autosomal Recessive and X-Linked Classification Criteria (2023). Collection method: clinical testing. Allele origin: unknown.
Comment: This variant is considered benign. This variant is a silent/synonymous amino acid change and it is not expected to impact splicing.